The following is an entry in ClinVar:

ClinVar aggregate classification (germline): Likely benign (1 of 4 stars; one submission).

Conditions:
Tremor, hereditary essential, 1 (ETM1). Also called: Familial essential tremor. Identifiers: MedGen C1860861, MONDO:0008590, OMIM 190300.

Allele frequency attached by ClinVar (database versions not stated): gnomAD 0.00020 and 0.00029; TOPMed 0.00032; 1000 Genomes Project 0.00180; 1000 Genomes Project 30x 0.00187.
gnomAD v4.1: 44 of 152,326 alleles (0.029%); highest among the groups gnomAD compares: East Asian, 0.66%; no homozygotes.

Submission:

Illumina Laboratory Services, Illumina
Classification: Likely benign for Tremor, hereditary essential, 1. Last evaluated: 2018-01-13. Review status: criteria provided, single submitter. Criteria: ICSL Variant Classification Criteria 13 December 2019. Collection method: clinical testing. Allele origin: germline.
Comment: This variant was observed in the ICSL laboratory as part of a predisposition screen in an ostensibly healthy population. It had not been previously curated by ICSL or reported in the Human Gene Mutation Database (HGMD: prior to June 1st, 2018), and was therefore a candidate for classification through an automated scoring system. Utilizing variant allele frequency, disease prevalence and penetrance estimates, and inheritance mode, an automated score was calculated to assess if this variant is too frequent to cause the disease. Based on the score and internal cut-off values, a variant classified as likely benign is not then subjected to further curation. The score for this variant resulted in a classification of likely benign for this disease.

NM_000796.6(DRD3):c.-153T>G

Gene: DRD3 (dopamine receptor D3; minus strand). Cytogenetic location: 3q13.31.
Variant type: single nucleotide variant.
Coding change: c.-153T>G on transcript NM_000796.6 (MANE Select); 153 bases upstream of the start codon, T replaced by G.
Molecular consequence: 5 prime UTR variant.
Genome position (GRCh38, 1-based): chr3:114,178,774, A>C on the plus strand (T>G on the coding strand, the complement: DRD3 is on the minus strand). VCF-style: chr3-114178774-A-C. GRCh37 (hg19) VCF-style: chr3-113897621-A-C.
Other names: c.-153T>G (NM_001282563.2, NM_033663.6); c.-421T>G (NM_001290809.1).
Identifiers: ClinVar variation 342607 (VCV000342607.5), dbSNP rs200345655, ClinGen allele CA10616810.